The following is an entry in ClinVar:

NM_000553.6(WRN):c.3233+5A>G

Gene: WRN (WRN RecQ like helicase; plus strand). Cytogenetic location: 8p12.
Variant type: single nucleotide variant.
Coding change: c.3233+5A>G on transcript NM_000553.6 (MANE Select); 5 bases into the intron after coding-DNA position 3233, A replaced by G.
Molecular consequence: intron variant.
Genome position (GRCh38, 1-based): chr8:31,141,780, A>G. VCF-style: chr8-31141780-A-G. GRCh37 (hg19) VCF-style: chr8-30999296-A-G.
Identifiers: ClinVar variation 965056 (VCV000965056.7), dbSNP rs1802648496, ClinGen allele CA1139660433.

ClinVar aggregate classification (germline): Uncertain significance (1 of 4 stars; one submission).

Conditions:
Werner syndrome (WRN). Identifiers: Orphanet 902, MedGen C0043119, MONDO:0010196, OMIM 277700.

gnomAD v4.1: 2 of 1,612,874 alleles (0.00012%); highest among the groups gnomAD compares: Non-Finnish European, 0.00017%; no homozygotes.

Submission:

Labcorp Genetics (formerly Invitae), Labcorp
Classification: Uncertain significance for Werner syndrome. Last evaluated: 2023-08-07. Review status: criteria provided, single submitter. Criteria: Invitae Variant Classification Sherloc (09022015). Collection method: clinical testing. Allele origin: germline.
Comment: This variant has not been reported in the literature in individuals affected with WRN-related conditions. This variant is not present in population databases (gnomAD no frequency). This sequence change falls in intron 26 of the WRN gene. It does not directly change the encoded amino acid sequence of the WRN protein. It affects a nucleotide within the consensus splice site. ClinVar contains an entry for this variant (Variation ID: 965056). In summary, the available evidence is currently insufficient to determine the role of this variant in disease. Therefore, it has been classified as a Variant of Uncertain Significance. Variants that disrupt the consensus splice site are a relatively common cause of aberrant splicing (PMID: 17576681, 9536098). Algorithms developed to predict the effect of sequence changes on RNA splicing suggest that this variant may create or strengthen a splice site.

Literature cited by the submitters: PubMed 17576681; PubMed 9536098.